The following is an entry in ClinVar:

NM_000204.5(CFI):c.850T>G (p.Cys284Gly)

Gene: CFI (complement factor I; minus strand). Cytogenetic location: 4q25.
Variant type: single nucleotide variant.
Coding change: c.850T>G on transcript NM_000204.5 (MANE Select); coding-DNA position 850, T replaced by G.
Protein change: p.Cys284Gly; replaces cysteine 284 with glycine.
Molecular consequence: missense variant. On other transcripts: non-coding transcript variant (3).
Genome position (GRCh38, 1-based): chr4:109,760,303, A>C on the plus strand (T>G on the coding strand, the complement: CFI is on the minus strand). VCF-style: chr4-109760303-A-C. GRCh37 (hg19) VCF-style: chr4-110681459-A-C.
Other names: c.850T>G, p.Cys284Gly (NM_001318057.2, NM_001331035.2, NM_001375278.1 and 5 more transcripts); c.241T>G, p.Cys81Gly (NM_001375284.1); short protein forms C284G, C81G.
Identifiers: ClinVar variation 829894 (VCV000829894.3), dbSNP rs1483694585, ClinGen allele CA357861097.

ClinVar aggregate classification (germline): Likely pathogenic. Review status: criteria provided, single submitter (1 of 4 stars). 2 submissions from 2 submitters: Likely pathogenic (1). 1 of the submissions does not count toward it. Last evaluated 2024-12-12.

Conditions:
Atypical hemolytic-uremic syndrome with I factor anomaly. Also called: HEMOLYTIC UREMIC SYNDROME, ATYPICAL, SUSCEPTIBILITY TO, 3; AHUS, SUSCEPTIBILITY TO, 3. Identifiers: Orphanet 2134, MedGen C2752039, MONDO:0013041, OMIM 612923.

Submissions (2):

MVZ Medizinische Genetik Mainz
Classification: Likely pathogenic for Atypical hemolytic-uremic syndrome with I factor anomaly. Last evaluated: 2024-12-12. Review status: criteria provided, single submitter. Criteria: UK Practice Guidelines For Variant Classification V4 01 2020. Collection method: clinical testing. Allele origin: germline. Inheritance: Autosomal dominant inheritance. Affected: yes. Observed: 1 variant allele.
Comment: ACMG Criteria: PM1_STR,PM2_SUP,PP3

Bioscientia Institut fuer Medizinische Diagnostik GmbH, Sonic Healthcare
Classification: Uncertain significance for Atypical hemolytic-uremic syndrome with I factor anomaly. Last evaluated: 2019-09-06. Review status: no assertion criteria provided. Collection method: clinical testing. Allele origin: germline. Affected: yes. Not counted in ClinVar's aggregate classification.